The following is an entry in ClinVar:

NM_001267550.2(TTN):c.82960G>A (p.Val27654Ile)

Genes: TTN (titin; minus strand), TTN-AS1 (TTN antisense RNA 1; plus strand). Cytogenetic location: 2q31.2.
Variant type: single nucleotide variant.
Coding change: c.82960G>A on transcript NM_001267550.2 (MANE Select); coding-DNA position 82960, G replaced by A.
Protein change: p.Val27654Ile; replaces valine 27654 with isoleucine.
Molecular consequence: missense variant.
Genome position (GRCh38, 1-based): chr2:178,563,172, C>T on the plus strand (G>A on the coding strand, the complement: TTN is on the minus strand). VCF-style: chr2-178563172-C-T. GRCh37 (hg19) VCF-style: chr2-179427899-C-T.
Other names: p.Val25086Ile; c.78037G>A, p.Val26013Ile (NM_001256850.1); c.55765G>A, p.Val18589Ile (NM_003319.4); c.75256G>A, p.Val25086Ile (NM_133378.4); c.56140G>A, p.Val18714Ile (NM_133432.3); c.56341G>A, p.Val18781Ile (NM_133437.4); short protein forms V18589I, V18714I, V18781I, V25086I, V26013I, V27654I.
Identifiers: ClinVar variation 2634157 (VCV002634157.2), dbSNP rs1027584774, ClinGen allele CA60986689.

ClinVar aggregate classification (germline): Uncertain significance. Review status: criteria provided, multiple submitters, no conflicts (2 of 4 stars). 2 submissions from 2 submitters: Uncertain significance (2). Last evaluated 2024-02-12.

Conditions:
TTN-related disorder. Also called: TTN-related condition; TTN-related disease; TTN-related disorders.

Allele frequency attached by ClinVar (database versions not stated): gnomAD exomes below 0.00001.
gnomAD v4.1: 4 of 1,613,756 alleles (0.00025%); highest among the groups gnomAD compares: East Asian, 0.0045%; no homozygotes.

Submissions (2):

Mayo Clinic Laboratories, Mayo Clinic
Classification: Uncertain significance. Last evaluated: 2024-02-12. Review status: criteria provided, single submitter. Criteria: ACMG Guidelines, 2015. Collection method: clinical testing. Allele origin: germline. Observed: 1 variant allele.
Comment: BP4, PM2

PreventionGenetics, part of Exact Sciences
Classification: Uncertain significance for TTN-related condition. Last evaluated: 2023-04-24. Review status: criteria provided, single submitter. Criteria: ACMG Guidelines, 2015. Collection method: clinical testing. Allele origin: germline.
Comment: The TTN c.82960G>A variant is predicted to result in the amino acid substitution p.Val27654Ile. This variant is also predicted to activate a cryptic splice donor site, and may modify splicing (Alamut Visual Plus v1.6.1). To our knowledge, this variant has not been reported in the literature or in a large population database, indicating this variant is rare. At this time, the clinical significance of this variant is uncertain due to the absence of conclusive functional and genetic evidence.